The following is an entry in ClinVar:

ClinVar aggregate classification (germline): Benign/Likely benign. Review status: criteria provided, multiple submitters, no conflicts (2 of 4 stars). 13 submissions from 10 submitters: Benign (9); Likely benign (4). Last evaluated 2026-02-04.

Conditions:
Cardiovascular phenotype. Identifiers: MedGen CN230736.
Dilated cardiomyopathy 1G (CMD1G). Identifiers: Orphanet 154, MedGen C1858763, MONDO:0011400, OMIM 604145.
Autosomal recessive limb-girdle muscular dystrophy type 2J (LGMDR10). Also called: Limb-girdle muscular dystrophy, type 2J; MUSCULAR DYSTROPHY, LIMB-GIRDLE, AUTOSOMAL RECESSIVE 10. Identifiers: Orphanet 140922, MedGen C1837342, MONDO:0012127, OMIM 608807.
Cardiomyopathy (CMYO). Also called: Cardiomyopathies. Identifiers: Orphanet 167848, MedGen C0878544, MONDO:0004994, HP:0001638. Inheritance: Various modes of inheritance.
Early-onset myopathy with fatal cardiomyopathy (CMYO5). Also called: Salih Myopathy; CONGENITAL MYOPATHY 5 WITH CARDIOMYOPATHY. Identifiers: Orphanet 289377, MedGen C2673677, MONDO:0012714, OMIM 611705. Disease mechanism: loss of function.
Myopathy, myofibrillar, 9, with early respiratory failure (MFM9). Also called: Hereditary myopathy with early respiratory failure; MYOPATHY, PROXIMAL, WITH EARLY RESPIRATORY MUSCLE INVOLVEMENT; Myopathy, distal, with early respiratory failure, autosomal dominant; EDSTROM MYOPATHY. Identifiers: Orphanet 178464, Orphanet 34521, MedGen C1863599, MONDO:0011362, OMIM 603689.
Tibial muscular dystrophy (TMD). Also called: UDD MYOPATHY; Tibial muscular dystrophy, tardive; Udd Distal Myopathy – Tibial Muscular Dystrophy. Identifiers: Orphanet 609, MedGen C1838244, MONDO:0010870, OMIM 600334.

Allele frequency attached by ClinVar (database versions not stated): gnomAD 0.00018 and 0.00022; gnomAD exomes 0.00050 and 0.00009; TOPMed 0.00022; ExAC 0.00047; 1000 Genomes Project 30x 0.00094; 1000 Genomes Project 0.00120.
gnomAD v4.1: 188 of 1,613,474 alleles (0.012%); highest among the groups gnomAD compares: East Asian, 0.35%; no homozygotes.

Submissions (13):

Labcorp Genetics (formerly Invitae), Labcorp
Classification: Benign for Dilated cardiomyopathy 1G; Autosomal recessive limb-girdle muscular dystrophy type 2J. Last evaluated: 2026-02-04. Review status: criteria provided, single submitter. Criteria: Invitae Variant Classification Sherloc (09022015). Collection method: clinical testing. Allele origin: germline.

Blueprint Genetics
Classification: Likely benign. Last evaluated: 2024-10-15. Review status: criteria provided, single submitter. Criteria: ACMG Guidelines, 2015. Collection method: clinical testing. Allele origin: germline.

Women's Health and Genetics/Laboratory Corporation of America, LabCorp
Classification: Benign. Last evaluated: 2023-08-19. Review status: criteria provided, single submitter. Criteria: LabCorp Variant Classification Summary - May 2015. Collection method: clinical testing. Allele origin: germline.

CHEO Genetics Diagnostic Laboratory, Children's Hospital of Eastern Ontario
Classification: Benign for Cardiomyopathy. Last evaluated: 2022-11-17. Review status: criteria provided, single submitter. Criteria: ACMG Guidelines, 2015. Collection method: clinical testing. Allele origin: germline.

Genome-Nilou Lab
Classification: Benign for Autosomal recessive limb-girdle muscular dystrophy type 2J. Last evaluated: 2021-09-10. Review status: criteria provided, single submitter. Criteria: ACMG Guidelines, 2015. Collection method: clinical testing. Allele origin: germline. Affected: no.

Genome-Nilou Lab
Classification: Benign for Myopathy, myofibrillar, 9, with early respiratory failure. Last evaluated: 2021-09-10. Review status: criteria provided, single submitter. Criteria: ACMG Guidelines, 2015. Collection method: clinical testing. Allele origin: germline. Affected: no.

Genome-Nilou Lab
Classification: Benign for Early-onset myopathy with fatal cardiomyopathy. Last evaluated: 2021-09-10. Review status: criteria provided, single submitter. Criteria: ACMG Guidelines, 2015. Collection method: clinical testing. Allele origin: germline. Affected: no.

Genome-Nilou Lab
Classification: Benign for Tibial muscular dystrophy. Last evaluated: 2021-09-10. Review status: criteria provided, single submitter. Criteria: ACMG Guidelines, 2015. Collection method: clinical testing. Allele origin: germline. Affected: no.

CeGaT Center for Human Genetics Tuebingen
Classification: Likely benign. Last evaluated: 2019-06-01. Review status: criteria provided, single submitter. Criteria: CeGaT Center For Human Genetics Tuebingen Variant Classification Criteria Version 2. Collection method: clinical testing. Allele origin: germline. Affected: yes. Observed: 1 variant allele.

Athena Diagnostics
Classification: Benign. Last evaluated: 2019-04-05. Review status: criteria provided, single submitter. Criteria: Athena Diagnostics Criteria. Collection method: clinical testing. Allele origin: germline.

Eurofins Ntd Llc (ga)
Classification: Likely benign. Last evaluated: 2017-01-31. Review status: criteria provided, single submitter. Criteria: EGL Classification Definitions 2015. Collection method: clinical testing. Allele origin: germline. Observed: 1 variant allele, 1 heterozygote.

GeneDx
Classification: Benign. Last evaluated: 2014-05-09. Review status: criteria provided, single submitter. Criteria: GeneDx Variant Classification (06012015). Collection method: clinical testing. Allele origin: germline. Affected: yes.
Comment: This variant is considered likely benign or benign based on one or more of the following criteria: it is a conservative change, it occurs at a poorly conserved position in the protein, it is predicted to be benign by multiple in silico algorithms, and/or has population frequency not consistent with disease.

Ambry Genetics
Classification: Likely benign for Cardiovascular phenotype. Last evaluated: 2013-02-11. Review status: criteria provided, single submitter. Criteria: Ambry Autosomal Dominant and X-Linked criteria (10/2015). Collection method: clinical testing. Allele origin: germline. Observed: 1 variant allele.

NM_001267550.2(TTN):c.25209T>C (p.Asp8403=)

Gene: TTN (titin; minus strand). Cytogenetic location: 2q31.2.
Variant type: single nucleotide variant.
Coding change: c.25209T>C on transcript NM_001267550.2 (MANE Select); coding-DNA position 25209, T replaced by C.
Protein change: p.Asp8403=; no amino-acid change (aspartic acid 8403 retained).
Molecular consequence: synonymous variant. On other transcripts: intron variant (3).
Genome position (GRCh38, 1-based): chr2:178,717,665, A>G on the plus strand (T>C on the coding strand, the complement: TTN is on the minus strand). VCF-style: chr2-178717665-A-G. GRCh37 (hg19) VCF-style: chr2-179582392-A-G.
Other names: p.D8086D:GAT>GAC; c.24258T>C, p.Asp8086= (NM_001256850.1); c.21477T>C, p.Asp7159= (NM_133378.4); c.13282+20417T>C (NM_003319.4); c.13858+20417T>C (NM_133437.4); c.13657+20417T>C (NM_133432.3).
Identifiers: ClinVar variation 137842 (VCV000137842.61), dbSNP rs569860898, ClinGen allele CA291531.